The following is an entry in ClinVar:

ClinVar aggregate classification (germline): Conflicting classifications of pathogenicity. Review status: criteria provided, conflicting classifications (1 of 4 stars). 4 submissions from 4 submitters: Likely pathogenic (2); Uncertain significance (2). Last evaluated 2022-06-15.

Conditions:
Multiple acyl-CoA dehydrogenase deficiency (MADD). Also called: ETHYLMALONIC-ADIPICACIDURIA; GA II; Glutaric aciduria, type 2; Glutaric acidemia type II; GA 2; Glutaric Acidemia type 2. Identifiers: Orphanet 26791, MedGen C0268596, MONDO:0009282, OMIM 231680.

gnomAD v4.1: 1 of 1,613,794 alleles (0.000062%); highest among the groups gnomAD compares: Non-Finnish European, 0.000085%; no homozygotes.

Submissions (4):

Labcorp Genetics (formerly Invitae), Labcorp
Classification: Uncertain significance for Multiple acyl-CoA dehydrogenase deficiency. Last evaluated: 2022-06-15. Review status: criteria provided, single submitter. Criteria: Invitae Variant Classification Sherloc (09022015). Collection method: clinical testing. Allele origin: germline.
Comment: In summary, the available evidence is currently insufficient to determine the role of this variant in disease. Therefore, it has been classified as a Variant of Uncertain Significance. This sequence change replaces glycine, which is neutral and non-polar, with alanine, which is neutral and non-polar, at codon 369 of the ETFDH protein (p.Gly369Ala). Advanced modeling of protein sequence and biophysical properties (such as structural, functional, and spatial information, amino acid conservation, physicochemical variation, residue mobility, and thermodynamic stability) performed at Invitae indicates that this missense variant is expected to disrupt ETFDH protein function. ClinVar contains an entry for this variant (Variation ID: 802102). This variant has not been reported in the literature in individuals affected with ETFDH-related conditions. This variant is present in population databases (no rsID available, gnomAD no frequency).

Laboratorio de Genetica e Diagnostico Molecular, Hospital Israelita Albert Einstein
Classification: Likely pathogenic for Multiple acyl-CoA dehydrogenase deficiency. Last evaluated: 2022-05-16. Review status: criteria provided, single submitter. Criteria: ACMG Guidelines, 2015. Collection method: clinical testing. Allele origin: germline. Affected: yes. Observed: 1 variant allele.
Comment: ACMG classification criteria: PS4 supporting, PM2 moderated, PM3 supporting, PP3 supporting, PP4

Women's Health and Genetics/Laboratory Corporation of America, LabCorp
Classification: Uncertain significance. Last evaluated: 2022-03-25. Review status: criteria provided, single submitter. Criteria: LabCorp Variant Classification Summary - May 2015. Collection method: clinical testing. Allele origin: germline.
Comment: Variant summary: ETFDH c.1106G>C (p.Gly369Ala) results in a non-conservative amino acid change in the encoded protein sequence. Five of five in-silico tools predict a damaging effect of the variant on protein function. The variant was absent in 251410 control chromosomes. c.1106G>C has been reported in the literature as a homozygous genotype in at-least one in individual affected with Glutaric Aciduria, Type 2c (Multiple acyl-CoA dehydrogenase deficiency) (example, van Rijt_2020 citing Gautschi_2015). These data indicate that the variant may be associated with disease. To our knowledge, no experimental evidence demonstrating an impact on protein function has been reported. One clinical diagnostic laboratory has submitted clinical-significance assessments for this variant to ClinVar after 2014 without evidence for independent evaluation. One laboratory classified the variant as likely pathogenic. Based on the evidence outlined above, the variant was classified as VUS-possibly pathogenic.

Mendelics
Classification: Likely pathogenic for Multiple acyl-CoA dehydrogenase deficiency. Last evaluated: 2019-05-28. Review status: criteria provided, single submitter. Criteria: Mendelics Assertion Criteria 2017. Collection method: clinical testing. Allele origin: unknown.

Literature cited by the submitters: PubMed 31904027 (cited by Women's Health and Genetics/Laboratory Corporation of America, LabCorp).

NM_004453.4(ETFDH):c.1106G>C (p.Gly369Ala)

Gene: ETFDH (electron transfer flavoprotein dehydrogenase; plus strand). Cytogenetic location: 4q32.1.
Variant type: single nucleotide variant.
Coding change: c.1106G>C on transcript NM_004453.4 (MANE Select); coding-DNA position 1106, G replaced by C.
Protein change: p.Gly369Ala; replaces glycine 369 with alanine.
Molecular consequence: missense variant.
Genome position (GRCh38, 1-based): chr4:158,699,120, G>C. VCF-style: chr4-158699120-G-C. GRCh37 (hg19) VCF-style: chr4-159620272-G-C.
Other names: c.965G>C, p.Gly322Ala (NM_001281737.2); c.923G>C, p.Gly308Ala (NM_001281738.1); short protein forms G369A, G308A, G322A.
Identifiers: ClinVar variation 802102 (VCV000802102.7), dbSNP rs754418186, ClinGen allele CA358562365.
Genomic context (GRCh38, chr4:158,699,120, plus strand): 5'-TTCGGCCAACCTTGGAAGGTGGAAAAAGGATTGCATACGGAGCCAGAGCTCTCAATGAAG[G>C]TGGCTTTCAGGTAACTCTTCCAACTTTTATTTTCCTTGTTTCTGTATTATAAATTCAGAA-3'
Protein context (NP_004444.2, residues 359-379): IAYGARALNE[Gly369Ala]GFQSIPKLTF